The following is an entry in ClinVar:

ClinVar aggregate classification (germline): Pathogenic (1 of 4 stars; one submission).

Submission:

GeneDx
Classification: Pathogenic. Last evaluated: 2018-10-17. Review status: criteria provided, single submitter. Criteria: GeneDx Variant Classification (06012015). Collection method: clinical testing. Allele origin: germline. Affected: yes.
Comment: The c.12066_12067insTCAG pathogenic variant in the KMT2D gene causes a frameshift starting with codon Glycine 4023, changes this amino acid to a Serine residue and creates a premature Stop codon at position 18 of the new reading frame, denoted Gly4023SerfsX18. This pathogenic variant is predicted to cause loss of normal protein function either through protein truncation or nonsense-mediated mRNA decay. The c.12066_12067insTCAG variant is not observed in large population cohorts (Lek et al., 2016).

NM_003482.4(KMT2D):c.12066_12067insTCAG (p.Gly4023fs)

Gene: KMT2D (lysine methyltransferase 2D; minus strand). Cytogenetic location: 12q13.12.
Variant type: Insertion.
Coding change: c.12066_12067insTCAG on transcript NM_003482.4 (MANE Select); coding-DNA positions 12066 to 12067, TCAG inserted.
Protein change: p.Gly4023fs; shifts the reading frame from glycine 4023.
Molecular consequence: frameshift variant.
Genome position: GRCh38 VCF-style: chr12-49032638-C-CCTGA. GRCh37 (hg19) VCF-style: chr12-49426421-C-CCTGA.
Other names: short protein forms G4023fs.
Identifiers: ClinVar variation 817297 (VCV000817297.1), dbSNP rs1592118753, ClinGen allele CA915948289.
Genomic context (GRCh38, chr12:49,032,638, plus strand): 5'-TAGAGGGCCCCTCAGTGGCCTCTGAAGAAACGGCTGGGTCTACGGTGTTTTGTTCCTTGC[C>CCTGA]CGTCAGGAGGAGGGTTGGACCCAGGGCTCCAGGGCTAGAAAAGTGTTGAAGAGGCTTTGC-3'